The following is an entry in ClinVar:

ClinVar aggregate classification (germline): Conflicting classifications of pathogenicity. Review status: criteria provided, conflicting classifications (1 of 4 stars). 7 submissions from 7 submitters: Uncertain significance (2); Likely benign (4). 1 of the submissions does not count toward it. Last evaluated 2025-12-13.

Conditions:
Hereditary cancer-predisposing syndrome. Also called: Tumor predisposition; Neoplastic Syndromes, Hereditary; Hereditary Cancer Syndrome; Hereditary neoplastic syndrome. Identifiers: Orphanet 140162, MedGen C0027672, MeSH D009386, MONDO:0015356.
Peutz-Jeghers syndrome (PJS). Also called: Peutz-Jeghers polyposis; Periorificial lentiginosis syndrome; POLYPOSIS, HAMARTOMATOUS INTESTINAL; POLYPS-AND-SPOTS SYNDROME. Identifiers: Orphanet 2869, MedGen C0031269, MeSH D010580, MONDO:0008280, OMIM 175200.

Allele frequency attached by ClinVar (database versions not stated): TOPMed below 0.00001; gnomAD exomes 0.00001.
gnomAD v4.1: 4 of 1,577,534 alleles (0.00025%); highest among the groups gnomAD compares: Non-Finnish European, 0.00034%; no homozygotes.

Submissions (7):

Labcorp Genetics (formerly Invitae), Labcorp
Classification: Likely benign for Peutz-Jeghers syndrome. Last evaluated: 2025-12-13. Review status: criteria provided, single submitter. Criteria: Invitae Variant Classification Sherloc (09022015). Collection method: clinical testing. Allele origin: germline.

Ambry Genetics
Classification: Uncertain significance for Hereditary cancer-predisposing syndrome. Last evaluated: 2025-06-06. Review status: criteria provided, single submitter. Criteria: Ambry Variant Classification Scheme 2023. Collection method: clinical testing. Allele origin: germline.
Comment: The c.464+3G>A intronic variant results from a G to A substitution 3 nucleotides after coding exon 3 in the STK11 gene. This nucleotide position is poorly conserved in available vertebrate species. In silico splice site analysis predicts that this alteration will not have any significant effect on splicing. Based on the available evidence, the clinical significance of this variant remains unclear.

All of Us Research Program, National Institutes of Health
Classification: Likely benign for Peutz-Jeghers syndrome. Last evaluated: 2023-09-04. Review status: criteria provided, single submitter. Criteria: ACMG Guidelines, 2015. Collection method: clinical testing. Allele origin: germline. Inheritance: Autosomal dominant inheritance. Observed: 1 variant allele, 1 heterozygote.
Comment: This study involves interpretation of variants in research participants for the purpose of population health screening. Participant phenotype was not available at the time of variant classification. Additional details can be found in publication PMID: 35346344, PMCID: PMC8962531

Myriad Genetics, Inc.
Classification: Likely benign for Peutz-Jeghers syndrome. Last evaluated: 2023-04-12. Review status: criteria provided, single submitter. Criteria: Myriad Autosomal Dominant, Autosomal Recessive and X-Linked Classification Criteria (2023). Collection method: clinical testing. Allele origin: unknown.
Comment: This variant is considered likely benign. This variant is intronic and is not expected to impact mRNA splicing.

Genome-Nilou Lab
Classification: Uncertain significance for Peutz-Jeghers syndrome. Last evaluated: 2021-07-15. Review status: criteria provided, single submitter. Criteria: ACMG Guidelines, 2015. Collection method: clinical testing. Allele origin: germline. Affected: no.

Color Diagnostics, LLC DBA Color Health
Classification: Likely benign for Hereditary cancer-predisposing syndrome. Last evaluated: 2017-06-08. Review status: criteria provided, single submitter. Criteria: ACMG Guidelines, 2015. Collection method: clinical testing. Allele origin: germline.

Counsyl
Classification: Uncertain significance for Peutz-Jeghers syndrome. Last evaluated: 2018-03-20. Review status: no assertion criteria provided. Collection method: clinical testing. Allele origin: unknown. Not counted in ClinVar's aggregate classification.

NM_000455.5(STK11):c.464+3G>A

Gene: STK11 (serine/threonine kinase 11; plus strand). Cytogenetic location: 19p13.3.
Variant type: single nucleotide variant.
Coding change: c.464+3G>A on transcript NM_000455.5 (MANE Select); 3 bases into the intron after coding-DNA position 464, G replaced by A.
Molecular consequence: intron variant.
Genome position (GRCh38, 1-based): chr19:1,219,416, G>A. VCF-style: chr19-1219416-G-A. GRCh37 (hg19) VCF-style: chr19-1219415-G-A.
Identifiers: ClinVar variation 403768 (VCV000403768.22), dbSNP rs1060499956, ClinGen allele CA16616014.
Genomic context (GRCh38, chr19:1,219,416, plus strand): 5'-TGCAGGAAATGCTGGACAGCGTGCCGGAGAAGCGTTTCCCAGTGTGCCAGGCCCACGGGT[G>A]CGTGCGCGGGGCAGGGGCCAGGGTGGGGCGGGGGCCGGGGGCCAGGCAGGGCAGGCTCCT-3'